The following is an entry in ClinVar:

NM_004415.4(DSP):c.279G>C (p.Leu93Phe)

Gene: DSP (desmoplakin; plus strand). Cytogenetic location: 6p24.3.
Variant type: single nucleotide variant.
Coding change: c.279G>C on transcript NM_004415.4 (MANE Select); coding-DNA position 279, G replaced by C.
Protein change: p.Leu93Phe; replaces leucine 93 with phenylalanine.
Molecular consequence: missense variant.
Genome position (GRCh38, 1-based): chr6:7,558,121, G>C. VCF-style: chr6-7558121-G-C. GRCh37 (hg19) VCF-style: chr6-7558354-G-C.
Other names: c.279G>C, p.Leu93Phe (NM_001008844.3, NM_001319034.2); short protein forms L93F.
Identifiers: ClinVar variation 859993 (VCV000859993.15), dbSNP rs1447901875, ClinGen allele CA362671108.

ClinVar aggregate classification (germline): Uncertain significance. Review status: criteria provided, multiple submitters, no conflicts (2 of 4 stars). 5 submissions from 5 submitters: Uncertain significance (5). Last evaluated 2026-08-17.

Conditions:
Arrhythmogenic right ventricular dysplasia 8 (ARVD8). Also called: Arrhythmogenic Right Ventricular Dysplasia/Cardiomyopathy 8; ARRHYTHMOGENIC RIGHT VENTRICULAR DYSPLASIA, FAMILIAL, 8; ARRHYTHMOGENIC RIGHT VENTRICULAR CARDIOMYOPATHY 8. Identifiers: MedGen C1843896, MONDO:0011831, OMIM 607450.
Arrhythmogenic cardiomyopathy with wooly hair and keratoderma. Also called: PALMOPLANTAR KERATODERMA WITH LEFT VENTRICULAR CARDIOMYOPATHY AND WOOLLY HAIR; Carvajal syndrome; Dilated cardiomyopathy with woolly hair and keratoderma; Arrhythmogenic cardiomyopathy with woolly hair and keratoderma. Identifiers: Orphanet 65282, MedGen C1854063, MONDO:0011581, OMIM 605676.
Cardiovascular phenotype. Identifiers: MedGen CN230736.
Cardiomyopathy (CMYO). Also called: Cardiomyopathies. Identifiers: Orphanet 167848, MedGen C0878544, MONDO:0004994, HP:0001638. Inheritance: Various modes of inheritance.

Allele frequency attached by ClinVar (database versions not stated): TOPMed 0.00002; gnomAD exomes 0.00001.
gnomAD v4.1: 6 of 1,614,094 alleles (0.00037%); highest among the groups gnomAD compares: Non-Finnish European, 0.00051%; no homozygotes.

Submissions (5):

Ambry Genetics
Classification: Uncertain significance for Cardiovascular phenotype. Last evaluated: 2026-08-17. Review status: criteria provided, single submitter. Criteria: Ambry Variant Classification Scheme 2023. Collection method: clinical testing. Allele origin: germline.

Women's Health and Genetics/Laboratory Corporation of America, LabCorp
Classification: Uncertain significance. Last evaluated: 2026-04-13. Review status: criteria provided, single submitter. Criteria: LabCorp Variant Classification Summary - May 2015. Collection method: clinical testing. Allele origin: germline.

Labcorp Genetics (formerly Invitae), Labcorp
Classification: Uncertain significance for Arrhythmogenic cardiomyopathy with wooly hair and keratoderma; Arrhythmogenic right ventricular dysplasia 8. Last evaluated: 2025-12-14. Review status: criteria provided, single submitter. Criteria: Invitae Variant Classification Sherloc (09022015). Collection method: clinical testing. Allele origin: germline.
Comment: This sequence change replaces leucine, which is neutral and non-polar, with phenylalanine, which is neutral and non-polar, at codon 93 of the DSP protein (p.Leu93Phe). This variant is not present in population databases (gnomAD no frequency). This variant has not been reported in the literature in individuals affected with DSP-related conditions. ClinVar contains an entry for this variant (Variation ID: 859993). An algorithm developed to predict the effect of missense changes on protein structure and function (PolyPhen-2) suggests that this variant is likely to be disruptive. In summary, the available evidence is currently insufficient to determine the role of this variant in disease. Therefore, it has been classified as a Variant of Uncertain Significance.

Color Diagnostics, LLC DBA Color Health
Classification: Uncertain significance for Cardiomyopathy. Last evaluated: 2025-07-22. Review status: criteria provided, single submitter. Criteria: ACMG Guidelines, 2015. Collection method: clinical testing. Allele origin: germline.
Comment: This missense variant replaces leucine with phenylalanine at codon 93 of the DSP protein. Computational prediction suggests that this variant may not impact protein structure and function. To our knowledge, functional studies have not been reported for this variant. This variant has not been reported in individuals affected with DSP-related disorders in the literature. This variant has not been identified in the general population by the Genome Aggregation Database (gnomAD). The available evidence is insufficient to determine the role of this variant in disease conclusively. Therefore, this variant is classified as a Variant of Uncertain Significance.

All of Us Research Program, National Institutes of Health
Classification: Uncertain significance for Arrhythmogenic cardiomyopathy with wooly hair and keratoderma. Last evaluated: 2024-02-05. Review status: criteria provided, single submitter. Criteria: ACMG Guidelines, 2015. Collection method: clinical testing. Allele origin: germline. Inheritance: Autosomal dominant inheritance. Observed: 3 variant alleles, 3 heterozygotes.
Comment: This missense variant replaces leucine with phenylalanine at codon 93 of the DSP protein. Computational prediction suggests that this variant may not impact protein structure and function (internally defined REVEL score threshold <= 0.5, PMID: 27666373). To our knowledge, functional studies have not been reported for this variant. This variant has not been reported in individuals affected with cardiovascular disorders in the literature. This variant has not been identified in the general population by the Genome Aggregation Database (gnomAD). The available evidence is insufficient to determine the role of this variant in disease conclusively. Therefore, this variant is classified as a Variant of Uncertain Significance.

This study involves interpretation of variants in research participants for the purpose of population health screening. Participant phenotype was not available at the time of variant classification. Additional details can be found in publication PMID: 35346344, PMCID: PMC8962531